The following is an entry in ClinVar:

ClinVar aggregate classification (germline): Pathogenic (0 of 4 stars; one submission).

Conditions:
Hyperekplexia 3 (HKPX3). Also called: HYPEREKPLEXIA 3, AUTOSOMAL RECESSIVE; HYPEREKPLEXIA 3, AUTOSOMAL DOMINANT. Identifiers: Orphanet 3197, MedGen C3553288, MONDO:0013827, OMIM 614618.

Submission:

GeneReviews
Classification: Pathogenic for Hyperekplexia. Last evaluated: 2012-10-04. Review status: no assertion criteria provided. Collection method: curation. Allele origin: unknown.
ClinVar note: Converted during submission from pathologic to Pathogenic.

NM_004211.5(SLC6A5):c.1444T>C (p.Trp482Arg)

Gene: SLC6A5 (solute carrier family 6 member 5; plus strand). Cytogenetic location: 11p15.1.
Variant type: single nucleotide variant.
Coding change: c.1444T>C on transcript NM_004211.5 (MANE Select); coding-DNA position 1444, T replaced by C.
Protein change: p.Trp482Arg; replaces tryptophan 482 with arginine.
Molecular consequence: missense variant.
Genome position (GRCh38, 1-based): chr11:20,628,028, T>C. VCF-style: chr11-20628028-T-C. GRCh37 (hg19) VCF-style: chr11-20649574-T-C.
Other names: T1444C; c.742T>C, p.Trp248Arg (NM_001318369.2); short protein forms W482R, W248R.
Identifiers: ClinVar variation 38370 (VCV000038370.3), dbSNP rs281864925, ClinGen allele CA343002.